The following is an entry in ClinVar:

ClinVar aggregate classification (germline): Conflicting classifications of pathogenicity. Review status: criteria provided, conflicting classifications (1 of 4 stars). 6 submissions from 6 submitters: Uncertain significance (1); Benign (1); Likely benign (3). 1 of the submissions does not count toward it. Last evaluated 2026-04-08.

Conditions:
Hyper-IgE recurrent infection syndrome 3, autosomal recessive. Also called: Autosomal recessive hyper-IgE syndrome due to ZNF341 deficiency; HYPER-IgE SYNDROME 3, AUTOSOMAL RECESSIVE, WITH RECURRENT INFECTIONS. Identifiers: Orphanet 641368, MedGen C4748969, MONDO:0032654, OMIM 618282.
ZNF341-related disorder. Also called: ZNF341-related condition.

Allele frequency attached by ClinVar (database versions not stated): TOPMed 0.00243; gnomAD exomes 0.00269 and 0.00201; ESP Exome Variant Server 0.00292; 1000 Genomes Project 0.00120; 1000 Genomes Project 30x 0.00125; ExAC 0.00199; gnomAD 0.00211 and 0.00215.

Submissions (6):

Women's Health and Genetics/Laboratory Corporation of America, LabCorp
Classification: Likely benign. Last evaluated: 2026-04-08. Review status: criteria provided, single submitter. Criteria: LabCorp Variant Classification Summary - May 2015. Collection method: clinical testing. Allele origin: germline.
Comment: Variant summary: ZNF341 c.2096C>T (p.Thr699Met) results in a non-conservative amino acid change in the encoded protein sequence. Algorithms developed to predict the effect of missense changes on protein structure and function are either unavailable or do not agree on the potential impact of this missense change. The variant allele was found at a frequency of 0.002 in 249914 control chromosomes in the gnomAD database, including 4 homozygotes. The observed variant frequency exceeds the estimated maximal expected allele frequency for disease-causing variants in ZNF341, providing supporting evidence for a benign role. To our knowledge, no occurrence of c.2096C>T in individuals affected with ZNF341-related conditions and no experimental evidence demonstrating its impact on protein function have been reported. ClinVar contains an entry for this variant (Variation ID: 1012482). Based on the evidence outlined above, the variant was classified as likely benign.

Labcorp Genetics (formerly Invitae), Labcorp
Classification: Benign. Last evaluated: 2026-01-29. Review status: criteria provided, single submitter. Criteria: Invitae Variant Classification Sherloc (09022015). Collection method: clinical testing. Allele origin: germline.

Genomic Medicine Center of Excellence, King Faisal Specialist Hospital and Research Centre
Classification: Likely benign. Last evaluated: 2025-08-18. Review status: criteria provided, single submitter. Criteria: ACMG Guidelines, 2015. Collection method: clinical testing. Allele origin: germline.

CeGaT Center for Human Genetics Tuebingen
Classification: Likely benign. Last evaluated: 2025-05-01. Review status: criteria provided, single submitter. Criteria: CeGaT Center For Human Genetics Tuebingen Variant Classification Criteria Version 2. Collection method: clinical testing. Allele origin: germline. Affected: yes. Observed: 3 variant alleles.
Comment: ZNF341: BS2

Center for Genomics, Ann and Robert H. Lurie Children's Hospital of Chicago
Classification: Uncertain significance for Hyper-IgE recurrent infection syndrome 3, autosomal recessive. Last evaluated: 2022-02-08. Review status: criteria provided, single submitter. Criteria: ACMG Guidelines, 2015. Collection method: clinical testing. Allele origin: germline.
Comment: ZNF341 NM_032819.4 exon 15 p.Thr699Met (c.2096C>T): This variant has not been reported in the literature but is present in 0.3% (222/68038) of European alleles as well as 1 homozygote in Latino alleles in the Genome Aggregation Database. Evolutionary conservation and computational predictive tools suggest that this variant may impact the protein. In summary, data on this variant is insufficient for disease classification. Therefore, the clinical significance of this variant is uncertain.

PreventionGenetics, part of Exact Sciences
Classification: Likely benign for ZNF341-related condition. Last evaluated: 2023-09-29. Review status: no assertion criteria provided. Collection method: clinical testing. Allele origin: germline. Not counted in ClinVar's aggregate classification.
Comment: This variant is classified as likely benign based on ACMG/AMP sequence variant interpretation guidelines (Richards et al. 2015 PMID: 25741868, with internal and published modifications).

NM_001282933.2(ZNF341):c.2117C>T (p.Thr706Met)

Genes: ZNF341 (zinc finger protein 341; plus strand), ZNF341-AS1 (ZNF341 antisense RNA 1; minus strand). Cytogenetic location: 20q11.22.
Variant type: single nucleotide variant.
Coding change: c.2117C>T on transcript NM_001282933.2 (MANE Select); coding-DNA position 2117, C replaced by T.
Protein change: p.Thr706Met; replaces threonine 706 with methionine.
Molecular consequence: missense variant. On other transcripts: non-coding transcript variant (1).
Genome position (GRCh38, 1-based): chr20:33,791,069, C>T. VCF-style: chr20-33791069-C-T. GRCh37 (hg19) VCF-style: chr20-32378875-C-T.
Other names: c.2096C>T (NM_032819.4); c.1847C>T, p.Thr616Met (NM_001282935.2); c.2096C>T, p.Thr699Met (NM_032819.5); c.2117C>T (NM_001282933.1); short protein forms T616M, T699M, T706M.
Identifiers: ClinVar variation 1012482 (VCV001012482.49), dbSNP rs138992523, ClinGen allele CA9819711.